The following is an entry in ClinVar:

NM_002225.5(IVD):c.133G>A (p.Glu45Lys)

Gene: IVD (isovaleryl-CoA dehydrogenase; plus strand). Cytogenetic location: 15q15.1.
Variant type: single nucleotide variant.
Coding change: c.133G>A on transcript NM_002225.5 (MANE Select); coding-DNA position 133, G replaced by A.
Protein change: p.Glu45Lys; replaces glutamic acid 45 with lysine.
Molecular consequence: missense variant. On other transcripts: 5 prime UTR variant (1), non-coding transcript variant (1).
Genome position (GRCh38, 1-based): chr15:40,405,960, G>A. VCF-style: chr15-40405960-G-A. GRCh37 (hg19) VCF-style: chr15-40698161-G-A.
Other names: c.133G>A, p.Glu45Lys (NM_001159508.3, NM_001354598.3, NM_001354599.3 and 2 more transcripts); c.-295G>A (NM_001354597.3); short protein forms E45K.
Identifiers: ClinVar variation 998505 (VCV000998505.8), dbSNP rs1890355188, ClinGen allele CA391743827.
Genomic context (GRCh38, chr15:40,405,960, plus strand): 5'-GTTTCCCAGCGGGCCCACTCGCTTTTGCCCGTGGACGATGCAATCAATGGGCTAAGCGAG[G>A]AGCAGAGGCAGGTGAGGAGACTGACCCCCTTCCTGGCCCCAAGGCCTCCTTCCTGCCTGG-3'
Protein context (NP_002216.3, residues 35-55): VDDAINGLSE[Glu45Lys]QRQLRQTMAK

ClinVar aggregate classification (germline): Uncertain significance (1 of 4 stars; one submission).

Conditions:
Isovaleryl-CoA dehydrogenase deficiency (IVA). Also called: ISOVALERIC ACID CoA DEHYDROGENASE DEFICIENCY; IVD DEFICIENCY; Classic Isovaleric Acidemia; Isovaleric acidemia. Identifiers: Orphanet 33, MedGen C0268575, MONDO:0009475, OMIM 243500.

Submission:

Labcorp Genetics (formerly Invitae), Labcorp
Classification: Uncertain significance for Isovaleryl-CoA dehydrogenase deficiency. Last evaluated: 2022-02-10. Review status: criteria provided, single submitter. Criteria: Invitae Variant Classification Sherloc (09022015). Collection method: clinical testing. Allele origin: germline.
Comment: This sequence change replaces glutamic acid, which is acidic and polar, with lysine, which is basic and polar, at codon 48 of the IVD protein (p.Glu48Lys). In summary, the available evidence is currently insufficient to determine the role of this variant in disease. Therefore, it has been classified as a Variant of Uncertain Significance. Algorithms developed to predict the effect of missense changes on protein structure and function are either unavailable or do not agree on the potential impact of this missense change (SIFT: "Deleterious"; PolyPhen-2: "Possibly Damaging"; Align-GVGD: "Class C15"). ClinVar contains an entry for this variant (Variation ID: 998505). This variant has not been reported in the literature in individuals affected with IVD-related conditions. This variant is not present in population databases (gnomAD no frequency).